The following is an entry in ClinVar:

NM_198576.4(AGRN):c.5557G>A (p.Glu1853Lys)

Gene: AGRN (agrin; plus strand). Cytogenetic location: 1p36.33.
Variant type: single nucleotide variant.
Coding change: c.5557G>A on transcript NM_198576.4 (MANE Select); coding-DNA position 5557, G replaced by A.
Protein change: p.Glu1853Lys; replaces glutamic acid 1853 with lysine.
Molecular consequence: missense variant.
Genome position (GRCh38, 1-based): chr1:1,051,639, G>A. VCF-style: chr1-1051639-G-A. GRCh37 (hg19) VCF-style: chr1-987019-G-A.
Other names: c.5569G>A, p.Glu1857Lys (NM_001305275.2); c.5254G>A, p.Glu1752Lys (NM_001364727.2); short protein forms E1853K, E1857K, E1752K.
Identifiers: ClinVar variation 474154 (VCV000474154.8), dbSNP rs754858398, ClinGen allele CA510067.

ClinVar aggregate classification (germline): Uncertain significance (1 of 4 stars; one submission).

Conditions:
Congenital myasthenic syndrome 8. Also called: MYASTHENIC SYNDROME, CONGENITAL, DUE TO AGRIN DEFICIENCY; Myasthenic syndrome, congenital, 8, with pre- and postsynaptic defects. Identifiers: Orphanet 590, MedGen C3808739, MONDO:0014052, OMIM 615120.

Allele frequency attached by ClinVar (database versions not stated): gnomAD exomes below 0.00001 and 0.00001; ExAC 0.00001; gnomAD 0.00001.
gnomAD v4.1: 5 of 1,612,050 alleles (0.00031%); highest among the groups gnomAD compares: Admixed American, 0.0017%; no homozygotes.

Submission:

Labcorp Genetics (formerly Invitae), Labcorp
Classification: Uncertain significance for Congenital myasthenic syndrome 8. Last evaluated: 2021-12-29. Review status: criteria provided, single submitter. Criteria: Invitae Variant Classification Sherloc (09022015). Collection method: clinical testing. Allele origin: germline.
Comment: Algorithms developed to predict the effect of missense changes on protein structure and function are either unavailable or do not agree on the potential impact of this missense change (SIFT: "Deleterious"; PolyPhen-2: "Possibly Damaging"; Align-GVGD: "Class C0"). In summary, the available evidence is currently insufficient to determine the role of this variant in disease. Therefore, it has been classified as a Variant of Uncertain Significance. ClinVar contains an entry for this variant (Variation ID: 474154). This sequence change replaces glutamic acid, which is acidic and polar, with lysine, which is basic and polar, at codon 1853 of the AGRN protein (p.Glu1853Lys). This variant is present in population databases (rs754858398, gnomAD 0.003%). This variant has not been reported in the literature in individuals affected with AGRN-related conditions.